The following is an entry in ClinVar:

ClinVar aggregate classification (germline): Benign. Review status: criteria provided, multiple submitters, no conflicts (2 of 4 stars). 3 submissions from 3 submitters: Benign (3). Last evaluated 2026-01-19.

Allele frequency attached by ClinVar (database versions not stated): gnomAD exomes 0.00243; ExAC 0.00344; ESP Exome Variant Server 0.00392; gnomAD 0.00496 and 0.00508; 1000 Genomes Project 0.00579; TOPMed 0.00617; 1000 Genomes Project 30x 0.00703.
gnomAD v4.1: 4,584 of 1,612,312 alleles (0.28%); highest among the groups gnomAD compares: Middle Eastern, 1.9%; 35 homozygotes.

Submissions (3):

Labcorp Genetics (formerly Invitae), Labcorp
Classification: Benign. Last evaluated: 2026-01-19. Review status: criteria provided, single submitter. Criteria: Invitae Variant Classification Sherloc (09022015). Collection method: clinical testing. Allele origin: germline.

Mayo Clinic Laboratories, Mayo Clinic
Classification: Benign. Last evaluated: 2025-03-25. Review status: criteria provided, single submitter. Criteria: ACMG Guidelines, 2015. Collection method: clinical testing. Allele origin: germline. Observed: 2 variant alleles.
Comment: BA1, BP4, BP7

Breakthrough Genomics
Classification: Benign. Review status: criteria provided, single submitter. Criteria: ACMG Guidelines, 2015. Collection method: not provided. Allele origin: germline. Inheritance: Autosomal dominant inheritance. Affected: yes.

NM_003470.3(USP7):c.1705-10A>G

Gene: USP7 (ubiquitin specific peptidase 7; minus strand). Cytogenetic location: 16p13.2.
Variant type: single nucleotide variant.
Coding change: c.1705-10A>G on transcript NM_003470.3 (MANE Select); 10 bases into the intron before coding-DNA position 1705, A replaced by G.
Molecular consequence: intron variant.
Genome position (GRCh38, 1-based): chr16:8,903,412, T>C on the plus strand (A>G on the coding strand, the complement: USP7 is on the minus strand). VCF-style: chr16-8903412-T-C. GRCh37 (hg19) VCF-style: chr16-8997269-T-C.
Other names: p.?; c.1531-10A>G (NM_001321858.2); c.1657-10A>G (NM_001286457.2); c.1408-10A>G (NM_001286458.2).
Identifiers: ClinVar variation 786802 (VCV000786802.11), dbSNP rs183021971, ClinGen allele CA7895291.
Genomic context (GRCh38, chr16:8,903,412, plus strand): 5'-ATCGTACATGTCATTCCCTTGGTGGCCACAAAACTGGTCCTCTGCGACTATCTGAAAATA[T>C]GTATGAAAGCACAGAAAAGACTTGACAACTGACAAAAAATGAGTCCACACTGAACACATT-3'